The following is an entry in ClinVar:

ClinVar aggregate classification (germline): Benign/Likely benign. Review status: criteria provided, multiple submitters, no conflicts (2 of 4 stars). 2 submissions from 2 submitters: Benign (1); Likely benign (1). Last evaluated 2025-02-04.

Conditions:
Familial adenomatous polyposis 1 (FAP1). Also called: FAMILIAL ADENOMATOUS POLYPOSIS 1, ATTENUATED; POLYPOSIS, ADENOMATOUS INTESTINAL. Identifiers: MedGen C2713442, MONDO:0021056, OMIM 175100. Disease mechanism: loss of function.

Submissions (2):

Labcorp Genetics (formerly Invitae), Labcorp
Classification: Likely benign for Familial adenomatous polyposis 1. Last evaluated: 2025-02-04. Review status: criteria provided, single submitter. Criteria: Invitae Variant Classification Sherloc (09022015). Collection method: clinical testing. Allele origin: germline.

Myriad Genetics, Inc.
Classification: Benign for Familial adenomatous polyposis 1. Last evaluated: 2024-04-16. Review status: criteria provided, single submitter. Criteria: Myriad Autosomal Dominant, Autosomal Recessive and X-Linked Classification Criteria (2023). Collection method: clinical testing. Allele origin: unknown.
Comment: This variant is considered benign. This variant is a silent/synonymous amino acid change and it is not expected to impact splicing.

NM_000038.6(APC):c.8529T>A (p.Val2843=)

Gene: APC (APC regulator of Wnt signaling pathway; plus strand). Cytogenetic location: 5q22.2.
Variant type: single nucleotide variant.
Coding change: c.8529T>A on transcript NM_000038.6 (MANE Select); coding-DNA position 8529, T replaced by A.
Protein change: p.Val2843=; no amino-acid change (valine 2843 retained).
Molecular consequence: synonymous variant. On other transcripts: non-coding transcript variant (2).
Genome position (GRCh38, 1-based): chr5:112,844,123, T>A. VCF-style: chr5-112844123-T-A. GRCh37 (hg19) VCF-style: chr5-112179820-T-A.
Other names: c.8529T>A, p.Val2843= (NM_001127510.3, NM_001354895.2, NM_001407450.1); c.8475T>A, p.Val2825= (NM_001127511.3); c.8583T>A, p.Val2861= (NM_001354896.2, NM_001407447.1, NM_001407448.1 and 1 more transcripts); c.8559T>A, p.Val2853= (NM_001354897.2); c.8454T>A, p.Val2818= (NM_001354898.2); c.8445T>A, p.Val2815= (NM_001354899.2); c.8406T>A, p.Val2802= (NM_001354900.2); c.8352T>A, p.Val2784= (NM_001354901.2, NM_001407453.1); and 11 more.
Identifiers: ClinVar variation 3254237 (VCV003254237.3), dbSNP rs2533874526.